The following is an entry in ClinVar:

NM_000393.5(COL5A2):c.1590A>G (p.Pro530=)

Gene: COL5A2 (collagen type V alpha 2 chain; minus strand). Cytogenetic location: 2q32.2.
Variant type: single nucleotide variant.
Coding change: c.1590A>G on transcript NM_000393.5 (MANE Select); coding-DNA position 1590, A replaced by G.
Protein change: p.Pro530=; no amino-acid change (proline 530 retained).
Molecular consequence: synonymous variant.
Genome position (GRCh38, 1-based): chr2:189,065,031, T>C on the plus strand (A>G on the coding strand, the complement: COL5A2 is on the minus strand). VCF-style: chr2-189065031-T-C. GRCh37 (hg19) VCF-style: chr2-189929757-T-C.
Other names: c.1590A>G (NM_000393.3).
Identifiers: ClinVar variation 3905236 (VCV003905236.11).

ClinVar aggregate classification (germline): Likely benign. Review status: criteria provided, multiple submitters, no conflicts (2 of 4 stars). 2 submissions from 2 submitters: Likely benign (2). Last evaluated 2025-08-03.

Conditions:
Familial thoracic aortic aneurysm and aortic dissection (TAAD). Also called: Thoracic aortic aneurysms and dissections. Identifiers: Orphanet 91387, MedGen C4707243, MONDO:0019625.

gnomAD v4.1: 4 of 1,613,612 alleles (0.00025%); highest among the groups gnomAD compares: Non-Finnish European, 0.00034%; no homozygotes.

Submissions (2):

Ambry Genetics
Classification: Likely benign for Familial thoracic aortic aneurysm and aortic dissection. Last evaluated: 2025-08-03. Review status: criteria provided, single submitter. Criteria: Ambry Variant Classification Scheme 2023. Collection method: clinical testing. Allele origin: germline.

CeGaT Center for Human Genetics Tuebingen
Classification: Likely benign. Last evaluated: 2025-05-01. Review status: criteria provided, single submitter. Criteria: CeGaT Center For Human Genetics Tuebingen Variant Classification Criteria Version 2. Collection method: clinical testing. Allele origin: germline. Affected: yes. Observed: 1 variant allele.
Comment: COL5A2: BP4, BP7